The following is an entry in ClinVar:

NM_001042492.3(NF1):c.1167C>G (p.His389Gln)

Gene: NF1 (neurofibromin 1; plus strand). Cytogenetic location: 17q11.2.
Variant type: single nucleotide variant.
Coding change: c.1167C>G on transcript NM_001042492.3 (MANE Select); coding-DNA position 1167, C replaced by G.
Protein change: p.His389Gln; replaces histidine 389 with glutamine.
Molecular consequence: missense variant.
Genome position (GRCh38, 1-based): chr17:31,201,141, C>G. VCF-style: chr17-31201141-C-G. GRCh37 (hg19) VCF-style: chr17-29528159-C-G.
Other names: c.1167C>G, p.His389Gln (NM_000267.4, NM_001128147.3); short protein forms H389Q.
Identifiers: ClinVar variation 4800717 (VCV004800717.1).
Genomic context (GRCh38, chr17:31,201,141, plus strand): 5'-GCCTGCAGATGTGGATCTAATGATTGACTGCCTTGTTTCTTGCTTTCGTATAAGCCCTCA[C>G]AACAACCAACACTTTAAGGTGAGAGCATTGGTTTTTATCTAACTATATTTACTGATGCTG-3'
Protein context (NP_001035957.1, residues 379-399): CLVSCFRISP[His389Gln]NNQHFKICLA

ClinVar aggregate classification (germline): Uncertain significance (1 of 4 stars; one submission).

Conditions:
Neurofibromatosis, type 1 (NF1). Also called: VON RECKLINGHAUSEN DISEASE; Neurofibromatosis, type I; NEUROFIBROMATOSIS, TYPE I, SOMATIC; Peripheral type neurofibromatosis. Identifiers: Orphanet 636, MedGen C0027831, MONDO:0018975, OMIM 162200. Disease mechanism: loss of function.

Submission:

Labcorp Genetics (formerly Invitae), Labcorp
Classification: Uncertain significance for Neurofibromatosis, type 1. Last evaluated: 2025-11-19. Review status: criteria provided, single submitter. Criteria: Invitae Variant Classification Sherloc (09022015). Collection method: clinical testing. Allele origin: germline.
Comment: This sequence change replaces histidine, which is basic and polar, with glutamine, which is neutral and polar, at codon 389 of the NF1 protein (p.His389Gln). This variant is not present in population databases (gnomAD no frequency). This variant has not been reported in the literature in individuals affected with NF1-related conditions. Invitae Evidence Modeling of protein sequence and biophysical properties (such as structural, functional, and spatial information, amino acid conservation, physicochemical variation, residue mobility, and thermodynamic stability) indicates that this missense variant is not expected to disrupt NF1 protein function with a negative predictive value of 95%. In summary, the available evidence is currently insufficient to determine the role of this variant in disease. Therefore, it has been classified as a Variant of Uncertain Significance.